The following is an entry in ClinVar:

ClinVar aggregate classification (germline): Uncertain significance (1 of 4 stars; one submission).

Conditions:
Hereditary cancer-predisposing syndrome. Also called: Neoplastic Syndromes, Hereditary; Tumor predisposition; Hereditary Cancer Syndrome; Hereditary neoplastic syndrome. Identifiers: Orphanet 140162, MedGen C0027672, MeSH D009386, MONDO:0015356.

gnomAD v4.1: 1 of 1,613,418 alleles (0.000062%); highest among the groups gnomAD compares: Non-Finnish European, 0.000085%; no homozygotes.

Submission:

Ambry Genetics
Classification: Uncertain significance for Hereditary cancer-predisposing syndrome. Last evaluated: 2026-05-12. Review status: criteria provided, single submitter. Criteria: Ambry Variant Classification Scheme 2023. Collection method: clinical testing. Allele origin: germline.
Comment: The p.D149V variant (also known as c.446A>T), located in coding exon 6 of the CDC73 gene, results from an A to T substitution at nucleotide position 446. The aspartic acid at codon 149 is replaced by valine, an amino acid with highly dissimilar properties. This amino acid position is highly conserved in available vertebrate species. In addition, this alteration is predicted to be deleterious by in silico analysis. Based on the available evidence, the clinical significance of this variant remains unclear.

NM_024529.5(CDC73):c.446A>T (p.Asp149Val)

Gene: CDC73 (cell division cycle 73; plus strand). Cytogenetic location: 1q31.2.
Variant type: single nucleotide variant.
Coding change: c.446A>T on transcript NM_024529.5 (MANE Select); coding-DNA position 446, A replaced by T.
Protein change: p.Asp149Val; replaces aspartic acid 149 with valine.
Molecular consequence: missense variant.
Genome position (GRCh38, 1-based): chr1:193,138,107, A>T. VCF-style: chr1-193138107-A-T. GRCh37 (hg19) VCF-style: chr1-193107237-A-T.
Other names: short protein forms D149V.
Identifiers: ClinVar variation 4868363 (VCV004868363.1).